The following is an entry in ClinVar:

NM_000458.4(HNF1B):c.544C>T (p.Gln182Ter)

Gene: HNF1B (HNF1 homeobox B; minus strand). Cytogenetic location: 17q12.
Variant type: single nucleotide variant.
Coding change: c.544C>T on transcript NM_000458.4 (MANE Select); coding-DNA position 544, C replaced by T.
Protein change: p.Gln182Ter; replaces glutamine 182 with a stop codon.
Molecular consequence: nonsense.
Genome position (GRCh38, 1-based): chr17:37,739,440, G>A on the plus strand (C>T on the coding strand, the complement: HNF1B is on the minus strand). VCF-style: chr17-37739440-G-A. GRCh37 (hg19) VCF-style: chr17-36099431-G-A.
Other names: c.544C>T, p.Gln182Ter (NM_001165923.4, NM_001304286.2); short protein forms Q182*.
Identifiers: ClinVar variation 586801 (VCV000586801.35), dbSNP rs1568670481, ClinGen allele CA398751000.

ClinVar aggregate classification (germline): Pathogenic. Review status: criteria provided, multiple submitters, no conflicts (2 of 4 stars). 12 submissions from 12 submitters: Pathogenic (10). 2 of the submissions do not count toward it. Last evaluated 2025-03-15.

Conditions:
Renal cysts and diabetes syndrome (RCAD). Also called: Familial hypoplastic, glomerulocystic kidney; MATURITY-ONSET DIABETES OF THE YOUNG, TYPE 5. Identifiers: Orphanet 93111, MedGen C0431693, MONDO:0007669, OMIM 137920.
Nonpapillary renal cell carcinoma. Identifiers: Orphanet 422526, MedGen CN074294, MONDO:0007763, OMIM 144700.
Type 2 diabetes mellitus. Also called: Type II diabetes mellitus. Identifiers: MedGen C0011860, MeSH D003924, MONDO:0005148, OMIM 125853, HP:0005978.
HNF1B-related disorder. Also called: HNF1B-related disorders; HNF1B-related condition.
Maturity-onset diabetes of the young (MODY). Also called: Maturity onset diabetes mellitus in young. Identifiers: Orphanet 552, MedGen C0342276, MONDO:0018911, HP:0004904.

Submissions (12):

Labcorp Genetics (formerly Invitae), Labcorp
Classification: Pathogenic. Last evaluated: 2025-03-15. Review status: criteria provided, single submitter. Criteria: Invitae Variant Classification Sherloc (09022015). Collection method: clinical testing. Allele origin: germline.
Comment: This sequence change creates a premature translational stop signal (p.Gln182*) in the HNF1B gene. It is expected to result in an absent or disrupted protein product. Loss-of-function variants in HNF1B are known to be pathogenic (PMID: 9398836, 12148114, 15068978, 20378641). This variant is not present in population databases (gnomAD no frequency). This premature translational stop signal has been observed in individual(s) with HNF1B-related conditions (PMID: 15068978, 22706971, 25500806). ClinVar contains an entry for this variant (Variation ID: 586801). For these reasons, this variant has been classified as Pathogenic.

GeneDx
Classification: Pathogenic. Last evaluated: 2025-02-27. Review status: criteria provided, single submitter. Criteria: GeneDx Variant Classification Process June 2021. Collection method: clinical testing. Allele origin: germline. Affected: yes.
Comment: Identified in individuals with features consistent with HNF1B-related renal cysts and diabetes syndrome referred for genetic testing at GeneDx and in published literature (PMIDs: 33532864, 22706971, 15068978, 25500806, 35831109); Nonsense variant predicted to result in protein truncation or nonsense mediated decay in a gene for which loss of function is a known mechanism of disease; Not observed at significant frequency in large population cohorts (gnomAD); This variant is associated with the following publications: (PMID: 22706971, 36549658, 31328266, 35831109, 39892506, 33532864, 15068978, 25500806)

New York Genome Center
Classification: Pathogenic for Type 2 diabetes mellitus. Last evaluated: 2022-10-04. Review status: criteria provided, single submitter. Criteria: NYGC Assertion Criteria 2020. Collection method: clinical testing. Allele origin: germline. Affected: yes. Observed: 1 heterozygote.
Comment: The c.544C>T p.(Gln182Ter) stop-gained variant identified in the HNF1B gene has been reported in the literature in individuals with features of HNF1B-related disorders [PMID: 15068978, 22706971, 25500806]. The variant has been reported as Pathogenic by multiple laboratories in the ClinVar database [Variation ID: 586801]. The variant is absent in the population databases (gnomAD v2.1.1 and v3.1.2, TOPMed Freeze 8), suggesting it is not a common benign variant in the populations represented in those databases. The c.544C>T variant resides in the exon 2 of this 9-exon gene, incorporates a premature stop codon, and is expected to result in loss-of-function via nonsense mediated mRNA decay. Based on the available evidence, the c.544C>T p.(Gln182Ter)stop-gained variant identified in the HNF1B gene is reported as Pathogenic.

Fulgent Genetics
Classification: Pathogenic for Type 2 diabetes mellitus; Renal cysts and diabetes syndrome; Nonpapillary renal cell carcinoma. Last evaluated: 2021-07-15. Review status: criteria provided, single submitter. Criteria: ACMG Guidelines, 2015. Collection method: clinical testing. Allele origin: unknown.

Victorian Clinical Genetics Services, Murdoch Childrens Research Institute
Classification: Pathogenic for Renal cysts and diabetes syndrome. Last evaluated: 2021-05-06. Review status: criteria provided, single submitter. Criteria: ACMG Guidelines, 2015. Collection method: clinical testing. Allele origin: germline. Inheritance: Autosomal dominant inheritance. Affected: yes.
Comment: Based on the classification scheme VCGS_Germline_v1.3.4, this variant is classified as Pathogenic. Following criteria are met: 0102 - Loss of function is a known mechanism of disease in this gene and is associated with Renal cysts and diabetes syndrome (MIM#137920). (I) 0107 - This gene is associated with autosomal dominant disease. (I) 0115 - Variants in this gene are known to have variable expressivity. Variable types and age of onset of renal disease have been associated with HNF1B variants (PMID: 29764441). (I) 0201 - Variant is predicted to cause nonsense-mediated decay (NMD) and loss of protein (premature termination codon is located at least 54 nucleotides upstream of the final exon-exon junction). (SP) 0251 - This variant is heterozygous. (I) 0301 - Variant is absent from gnomAD (both v2 and v3). (SP) 0701 - Many other NMD predicted variants comparable to the one identified in this case have very strong previous evidence for pathogenicity (ClinVar, Decipher). (SP) 0801 - This variant has strong previous evidence of pathogenicity in unrelated individuals. The variant has been previously reported in multiple patients with renal disease (ClinVar, PMID: 20378641, 30666461). (SP) 1208 - Inheritance information for this variant is not currently available in this individual. (I) Legend: (SP) - Supporting pathogenic, (I) - Information, (SB) - Supporting benign

Molecular Biology Laboratory, Fundació Puigvert
Classification: Pathogenic for Renal cysts and diabetes syndrome. Last evaluated: 2020-02-01. Review status: criteria provided, single submitter. Criteria: ACMG Guidelines, 2015. Collection method: research. Allele origin: germline, maternal. Affected: yes. Observed: 2 variant alleles. Study: KidneyPanel_2020.

Institute of Human Genetics, FAU Erlangen, Friedrich-Alexander-Universität Erlangen-Nürnberg
Classification: Pathogenic for Renal cysts and diabetes syndrome. Last evaluated: 2019-07-06. Review status: criteria provided, single submitter. Criteria: ACMG Guidelines, 2015. Collection method: literature only. Allele origin: germline. Affected: yes.
Comment: This variant and it's classification has been reported by Vasileiou et al. 2019; DOI:10.1101/576918. The variants has previously been reported in ClinVar:586801; PMID:15068978; PMID:25700310; PMID:20378641; PMID:16249435; PMID:15068978; PMID:27234567; PMID:25500806; PMID:25536396 as "NM_000458.3(HNF1B):c.544C>T (p.Gln182Ter); c.544C->T,p.Gln182X; c.544C>T; c.544C>T p.Q182*; E2: c.544C>T (p.Gin182*) (INH) ; c.544C>T" with clinical significance Pathogenic. It has been re-classified using InterVar and manual curation as Pathogenic based on PVS1 PM2 PP3.

Athena Diagnostics
Classification: Pathogenic. Last evaluated: 2018-08-13. Review status: criteria provided, single submitter. Criteria: Athena Diagnostics Criteria. Collection method: clinical testing. Allele origin: germline.

Ambry Genetics
Classification: Pathogenic for Maturity-onset diabetes of the young. Last evaluated: 2018-04-17. Review status: criteria provided, single submitter. Criteria: Ambry Variant Classification Scheme 2023. Collection method: clinical testing. Allele origin: germline.
Comment: The p.Q182* pathogenic mutation (also known as c.544C>T), located in coding exon 2 of the HNF1B gene, results from a C to T substitution at nucleotide position 544. This changes the amino acid from a glutamine to a stop codon within coding exon 2. This alteration has been reported in individuals with renal disease and diabetes syndrome, including a de novo occurrence (Bellann&eacute;-Chantelot C et al. Ann. Intern. Med., 2004 Apr;140:510-7; Raaijmakers A et al. Nephrol. Dial. Transplant., 2015 May;30:835-42; Roelandt P et al. Hepatology, 2012 Sep;56:1178-81). In addition to the clinical data presented in the literature, this alteration is expected to result in loss of function by premature protein truncation or nonsense-mediated mRNA decay. As such, this alteration is interpreted as a disease-causing mutation.

Clinical Genetics Service, Universitary Hospital 12 de Octubre
Classification: Pathogenic for Renal cysts and diabetes syndrome. Review status: criteria provided, single submitter. Criteria: ACMG Guidelines, 2015. Collection method: clinical testing. Allele origin: de novo. Affected: yes.

PreventionGenetics, part of Exact Sciences
Classification: Pathogenic for HNF1B-related condition. Last evaluated: 2024-09-25. Review status: no assertion criteria provided. Collection method: clinical testing. Allele origin: germline. Not counted in ClinVar's aggregate classification.
Comment: The HNF1B c.544C>T variant is predicted to result in premature protein termination (p.Gln182*). This variant has been reported to be pathogenic for HNF1B-related disorders (see for example, Raaijmakers et al. 2015. PubMed ID: 25500806; Roelandt et al. 2012. PubMed ID: 22706971). This variant is not present in a large population database, indicating this variant is rare. Nonsense variants in HNF1B are expected to be pathogenic. This variant is interpreted as pathogenic.

Clinical Laboratory Sciences Program (CLSP), King Saud bin Abdulaziz University for Health Sciences (KSAU-HS)
Classification: Pathogenic for Renal cysts and diabetes syndrome. Last evaluated: 2023-04-01. Review status: no assertion criteria provided. Collection method: clinical testing. Allele origin: germline. Affected: yes. Not counted in ClinVar's aggregate classification.

Literature cited by the submitters: PubMed 9398836 (cited by Labcorp Genetics (formerly Invitae), Labcorp); PubMed 12148114 (cited by Labcorp Genetics (formerly Invitae), Labcorp); PubMed 15068978 (cited by 4 submitters); PubMed 20378641 (cited by 3 submitters); PubMed 22706971 (cited by 3 submitters); PubMed 25500806 (cited by 4 submitters); PubMed 29764441 (cited by Victorian Clinical Genetics Services, Murdoch Childrens Research Institute); PubMed 30666461 (cited by Victorian Clinical Genetics Services, Murdoch Childrens Research Institute); PubMed 33532864 (cited by Molecular Biology Laboratory, Fundació Puigvert); PubMed 25700310 (cited by Institute of Human Genetics, FAU Erlangen, Friedrich-Alexander-Universität Erlangen-Nürnberg); PubMed 16249435 (cited by Institute of Human Genetics, FAU Erlangen, Friedrich-Alexander-Universität Erlangen-Nürnberg); PubMed 27234567 (cited by Institute of Human Genetics, FAU Erlangen, Friedrich-Alexander-Universität Erlangen-Nürnberg); PubMed 25536396 (cited by Institute of Human Genetics, FAU Erlangen, Friedrich-Alexander-Universität Erlangen-Nürnberg); DOI 10.1101/576918 (cited by Institute of Human Genetics, FAU Erlangen, Friedrich-Alexander-Universität Erlangen-Nürnberg); PubMed 21163139 (cited by Athena Diagnostics); PubMed 18528323 (cited by Athena Diagnostics).